The following is an entry in ClinVar:

ClinVar aggregate classification (germline): Pathogenic/Likely pathogenic. Review status: criteria provided, multiple submitters, no conflicts (2 of 4 stars). 2 submissions from 2 submitters: Pathogenic (1); Likely pathogenic (1). Last evaluated 2021-03-23.

Conditions:
Dilated cardiomyopathy 1G (CMD1G). Identifiers: Orphanet 154, MedGen C1858763, MONDO:0011400, OMIM 604145.
Autosomal recessive limb-girdle muscular dystrophy type 2J (LGMDR10). Also called: MUSCULAR DYSTROPHY, LIMB-GIRDLE, AUTOSOMAL RECESSIVE 10; Limb-girdle muscular dystrophy, type 2J. Identifiers: Orphanet 140922, MedGen C1837342, MONDO:0012127, OMIM 608807.

Submissions (2):

Labcorp Genetics (formerly Invitae), Labcorp
Classification: Likely pathogenic for Dilated cardiomyopathy 1G; Autosomal recessive limb-girdle muscular dystrophy type 2J. Last evaluated: 2021-03-23. Review status: criteria provided, single submitter. Criteria: Invitae Variant Classification Sherloc (09022015). Collection method: clinical testing. Allele origin: germline.
Comment: This sequence change creates a premature translational stop signal (p.Gly25726Valfs*26) in the TTN gene. While this is not anticipated to result in nonsense mediated decay, it is expected to create a truncated TTN protein. In summary, the currently available evidence indicates that the variant is pathogenic, but additional data are needed to prove that conclusively. Therefore, this variant has been classified as Likely Pathogenic. This variant is located in the A band of TTN (PMID: 25589632). Truncating variants in this region are significantly overrepresented in patients affected with dilated cardiomyopathy (PMID: 25589632). Truncating variants in this region have also been reported in individuals affected with autosomal recessive centronuclear myopathy (PMID: 23975875). This variant has not been reported in the literature in individuals with TTN-related conditions. ClinVar contains an entry for this variant (Variation ID: 202471). This variant is not present in population databases (ExAC no frequency).

GeneDx
Classification: Pathogenic. Last evaluated: 2014-06-02. Review status: criteria provided, single submitter. Criteria: GeneDx Variant Classification (06012015). Collection method: clinical testing. Allele origin: germline. Affected: yes.
Comment: c.72254delG: p.Gly24085ValfsX26 (G24085VfsX26) in exon 276 of the TTN gene (NM_001256850.1). The normal sequence with the bases that are deleted in braces is: GATG{G}TGGC. The c.72254delG mutation in the TTN gene has not been reported previously as a disease-causing mutation or as a benign polymorphism, to our knowledge. c.72254delG causes a shift in reading frame starting at codon Glycine 24085, changing it to a Valine, and creating a premature stop codon at position 26 of the new reading frame, denoted p.Gly24085ValfsX26. This mutation is expected to result in either an abnormal, truncated protein product or loss of protein from this allele through nonsense-mediated mRNA decay. Other truncating TTN variants have been reported in approximately 3% of control alleles (Herman D et al., 2012). However, c.72254delG is located in the A-band region of titin, where the majority of truncating mutations associated with DCM have been reported (Herman D et al., 2012). In summary, c.72254delG in the TTN gene is interpreted as a disease-causing mutation. The variant is found in DCM-CRDM panel(s).

Literature cited by the submitters: PubMed 25589632 (cited by Labcorp Genetics (formerly Invitae), Labcorp); PubMed 23975875 (cited by Labcorp Genetics (formerly Invitae), Labcorp).

NM_001267550.2(TTN):c.77177del (p.Gly25726fs)

Genes: TTN-AS1 (TTN antisense RNA 1; plus strand), TTN (titin; minus strand). Cytogenetic location: 2q31.2.
Variant type: Deletion.
Coding change: c.77177del on transcript NM_001267550.2 (MANE Select); coding-DNA position 77177, one base deleted (G; older notation c.77177delG).
Protein change: p.Gly25726fs; shifts the reading frame from glycine 25726.
Molecular consequence: frameshift variant.
Genome position (GRCh38, 1-based): chr2:178,568,955, C deleted on the plus strand (G on the coding strand, the reverse complement: TTN is on the minus strand); the first of 2 consecutive C bases (chr2:178,568,955-178,568,956); deleting either gives the same sequence. VCF-style (leftmost placement, unchanged base first): chr2-178568954-AC-A. GRCh37 (hg19) VCF-style: chr2-179433681-AC-A.
Other names: c.72254delG (NM_001256850.1); c.72254del, p.Gly24085fs (NM_001256850.1); c.49982del, p.Gly16661fs (NM_003319.4); c.69473del, p.Gly23158fs (NM_133378.4); c.50357del, p.Gly16786fs (NM_133432.3); c.50558del, p.Gly16853fs (NM_133437.4); short protein forms G16661fs, G23158fs, G16853fs, G24085fs, G25726fs, G16786fs.
Identifiers: ClinVar variation 202471 (VCV000202471.9), dbSNP rs794729344, ClinGen allele CA309434.
Genomic context (GRCh38, chr2:178,568,954, plus strand): 5'-TGACCATTTCTCACTGTGTTTAGCTTGCATTTCCACAATATACTGAATGATTTTACTGCC[AC>A]CATCATGTTCAGGTTTTGTCCAACTCAGAGAGACACTGTTTCTGGTGACATCATCCACAG-3'